The following is an entry in ClinVar:

NM_001042492.3(NF1):c.889-21C>T

Gene: NF1 (neurofibromin 1; plus strand). Cytogenetic location: 17q11.2.
Variant type: single nucleotide variant.
Coding change: c.889-21C>T on transcript NM_001042492.3 (MANE Select); 21 bases into the intron before coding-DNA position 889, C replaced by T.
Molecular consequence: intron variant.
Genome position (GRCh38, 1-based): chr17:31,200,401, C>T. VCF-style: chr17-31200401-C-T. GRCh37 (hg19) VCF-style: chr17-29527419-C-T.
Other names: c.889-21C>T (NM_000267.4, NM_001128147.3).
Identifiers: ClinVar variation 2902064 (VCV002902064.5), dbSNP rs753797445, ClinGen allele CA289348513.
Genomic context (GRCh38, chr17:31,200,401, plus strand): 5'-GTTAATTTGCTATAATATTAGCTACATCTGGAATAGAAGAAACTTCATATATTATCTTAT[C>T]GCTATATTTGAATTCTGTAGAAGTTATTTCTGGACAGTCTACGAAAAGCTCTTGCTGGCC-3'

ClinVar aggregate classification (germline): Likely benign. Review status: criteria provided, single submitter (1 of 4 stars). 2 submissions from 2 submitters: Likely benign (1). 1 of the submissions does not count toward it. Last evaluated 2026-01-11.

Conditions:
Neurofibromatosis, type 1 (NF1). Also called: VON RECKLINGHAUSEN DISEASE; NEUROFIBROMATOSIS, TYPE I, SOMATIC; Peripheral type neurofibromatosis; Neurofibromatosis, type I. Identifiers: Orphanet 636, MedGen C0027831, MONDO:0018975, OMIM 162200. Disease mechanism: loss of function.
NF1-related disorder. Also called: NF1-related condition. Identifiers: MedGen CN379171.

Allele frequency attached by ClinVar (database versions not stated): gnomAD 0.00001; TOPMed 0.00003.
gnomAD v4.1: 50 of 1,610,722 alleles (0.0031%); highest among the groups gnomAD compares: Admixed American, 0.01%; no homozygotes.

Submissions (2):

Labcorp Genetics (formerly Invitae), Labcorp
Classification: Likely benign for Neurofibromatosis, type 1. Last evaluated: 2026-01-11. Review status: criteria provided, single submitter. Criteria: Invitae Variant Classification Sherloc (09022015). Collection method: clinical testing. Allele origin: germline.

PreventionGenetics, part of Exact Sciences
Classification: Likely benign for NF1-related condition. Last evaluated: 2020-09-04. Review status: no assertion criteria provided. Collection method: clinical testing. Allele origin: germline. Not counted in ClinVar's aggregate classification.
Comment: This variant is classified as likely benign based on ACMG/AMP sequence variant interpretation guidelines (Richards et al. 2015 PMID: 25741868, with internal and published modifications).